The following is an entry in ClinVar:

ClinVar aggregate classification (germline): Uncertain significance. Review status: criteria provided, multiple submitters, no conflicts (2 of 4 stars). 2 submissions from 2 submitters: Uncertain significance (2). Last evaluated 2022-11-18.

Conditions:
Isolated microphthalmia 5. Also called: Posterior Microphthalmia with Retinitis Pigmentosa, Foveoschisis, and Optic Disc Drusen. Identifiers: Orphanet 251279, MedGen C1970236, MONDO:0012605, OMIM 611040.
Inborn genetic diseases. Identifiers: MedGen C0950123, MeSH D030342.

Allele frequency attached by ClinVar (database versions not stated): gnomAD 0.00001; gnomAD exomes 0.00001.
gnomAD v4.1: 17 of 1,612,848 alleles (0.0011%); highest among the groups gnomAD compares: Admixed American, 0.0017%; no homozygotes.

Submissions (2):

Ambry Genetics
Classification: Uncertain significance for Inborn genetic diseases. Last evaluated: 2022-11-18. Review status: criteria provided, single submitter. Criteria: Ambry Variant Classification Scheme 2023. Collection method: clinical testing. Allele origin: germline.

Labcorp Genetics (formerly Invitae), Labcorp
Classification: Uncertain significance for Isolated microphthalmia 5. Last evaluated: 2020-04-07. Review status: criteria provided, single submitter. Criteria: Invitae Variant Classification Sherloc (09022015). Collection method: clinical testing. Allele origin: germline.
Comment: This variant is not present in population databases (ExAC no frequency). This sequence change replaces threonine with asparagine at codon 558 of the MFRP protein (p.Thr558Asn). The threonine residue is moderately conserved and there is a small physicochemical difference between threonine and asparagine. This variant has not been reported in the literature in individuals with MFRP-related conditions. In summary, the available evidence is currently insufficient to determine the role of this variant in disease. Therefore, it has been classified as a Variant of Uncertain Significance. Algorithms developed to predict the effect of missense changes on protein structure and function are either unavailable or do not agree on the potential impact of this missense change (SIFT: "Deleterious"; PolyPhen-2: "Probably Damaging"; Align-GVGD: "Class C0").

NM_031433.4(MFRP):c.1673C>A (p.Thr558Asn)

Genes: C1QTNF5 (C1q and TNF related 5; minus strand), MFRP (membrane frizzled-related protein; minus strand). Cytogenetic location: 11q23.3.
Variant type: single nucleotide variant.
Coding change: c.1673C>A on transcript NM_031433.4 (MANE Select); coding-DNA position 1673, C replaced by A.
Protein change: p.Thr558Asn; replaces threonine 558 with asparagine.
Molecular consequence: missense variant. On other transcripts: 5 prime UTR variant (1).
Genome position (GRCh38, 1-based): chr11:119,341,615, G>T on the plus strand (C>A on the coding strand, the complement: MFRP is on the minus strand). VCF-style: chr11-119341615-G-T. GRCh37 (hg19) VCF-style: chr11-119212325-G-T.
Other names: c.-964C>A (NM_015645.5); short protein forms T558N.
Identifiers: ClinVar variation 1024514 (VCV001024514.10), dbSNP rs1372508025, ClinGen allele CA382971413.